The following is an entry in ClinVar:

ClinVar aggregate classification (germline): Pathogenic (1 of 4 stars; one submission).

Submission:

Labcorp Genetics (formerly Invitae), Labcorp
Classification: Pathogenic. Last evaluated: 2026-01-18. Review status: criteria provided, single submitter. Criteria: Invitae Variant Classification Sherloc (09022015). Collection method: clinical testing. Allele origin: germline.
Comment: This sequence change affects a donor splice site in intron 3 of the APOA1 gene. While this variant is not anticipated to result in nonsense mediated decay, it likely alters RNA splicing and results in a disrupted protein product. This variant is not present in population databases (gnomAD no frequency). This variant has not been reported in the literature in individuals affected with APOA1-related conditions. Variants that disrupt the consensus splice site are a relatively common cause of aberrant splicing (PMID: 17576681, 9536098). Algorithms developed to predict the effect of sequence changes on RNA splicing suggest that this variant may disrupt the consensus splice site. This variant disrupts a region of the APOA1 protein in which other variant(s) (p.Leu165Arg) have been determined to be pathogenic (PMID: 8840853, 26363436). This suggests that this is a clinically significant region of the protein, and that variants that disrupt it are likely to be disease-causing. For these reasons, this variant has been classified as Pathogenic.

Literature cited by the submitters: PubMed 17576681; PubMed 9536098; PubMed 8840853; PubMed 26363436.

NM_000039.3(APOA1):c.200+1G>T

Genes: APOA1 (apolipoprotein A1; minus strand), APOA1-AS (APOA1 antisense RNA; plus strand). Cytogenetic location: 11q23.3.
Variant type: single nucleotide variant.
Coding change: c.200+1G>T on transcript NM_000039.3 (MANE Select); the canonical splice donor site of the intron after coding-DNA position 200, G replaced by T.
Molecular consequence: splice donor variant. On other transcripts: intron variant (1).
Genome position (GRCh38, 1-based): chr11:116,837,000, C>A on the plus strand (G>T on the coding strand, the complement: APOA1 is on the minus strand). VCF-style: chr11-116837000-C-A. GRCh37 (hg19) VCF-style: chr11-116707716-C-A.
Other names: c.-128+345G>T (NM_001425091.1); c.-128+1G>T (NM_001318021.2, NM_001425092.1); c.200+1G>T (NM_001425093.1, NM_001318018.2, NM_001318017.2 and 1 more transcripts).
Identifiers: ClinVar variation 4768101 (VCV004768101.1).